The following is an entry in ClinVar:

NM_000155.4(GALT):c.445dup (p.Ala149fs)

Gene: GALT (galactose-1-phosphate uridylyltransferase; plus strand). Cytogenetic location: 9p13.3.
Variant type: Duplication.
Coding change: c.445dup on transcript NM_000155.4 (MANE Select); coding-DNA position 445, one base duplicated (G; older notation c.445dupG).
Protein change: p.Ala149fs; shifts the reading frame from alanine 149.
Molecular consequence: frameshift variant.
Genome position (GRCh38, 1-based): chr9:34,647,899, G duplicated; the last of 3 consecutive G bases (chr9:34,647,897-34,647,899); duplicating any one gives the same sequence. VCF-style (leftmost placement, unchanged base first): chr9-34647896-C-CG. GRCh37 (hg19) VCF-style: chr9-34647893-C-CG.
Other names: c.118dup, p.Ala40fs (NM_001258332.2); short protein forms A149fs, A40fs.
Identifiers: ClinVar variation 167128 (VCV000167128.6), dbSNP rs786200978, ClinGen allele CA273332.

ClinVar aggregate classification (germline): Pathogenic. Review status: criteria provided, multiple submitters, no conflicts (2 of 4 stars). 2 submissions from 2 submitters: Pathogenic (2). Last evaluated 2025-10-09.

Conditions:
Deficiency of UDPglucose-hexose-1-phosphate uridylyltransferase. Also called: GALACTOSEMIA I; Transferase Deficiency Galactosemia; GALT deficiency; Galactosemia, classic; GALACTOSE-1-PHOSPHATE URIDYLYLTRANSFERASE DEFICIENCY. Identifiers: Orphanet 352, Orphanet 79239, MedGen C0268151, MONDO:0009258, OMIM 230400.

Submissions (2):

Variantyx, Inc.
Classification: Pathogenic for Deficiency of UDPglucose-hexose-1-phosphate uridylyltransferase. Last evaluated: 2025-10-09. Review status: criteria provided, single submitter. Criteria: Variantyx Assertion Criteria 2022. Collection method: clinical testing. Allele origin: germline. Inheritance: Autosomal recessive inheritance. Affected: yes.
Comment: This is a frameshift variant in the GALT gene (OMIM: 606999). Pathogenic variants in this gene have been associated with autosomal recessive galactosemia. This variant introduces a premature termination codon in exon 5 out of 11 and is expected to result in loss of function, which is a known disease mechanism for GALT in this disorder (PMID: 22944367) (PVS1). Based on the current evidence, this variant is classified as pathogenic for autosomal recessive galactosemia.

Eurofins Ntd Llc (ga)
Classification: Pathogenic. Last evaluated: 2014-02-13. Review status: criteria provided, single submitter. Criteria: EGL Classification Definitions. Collection method: clinical testing. Allele origin: germline. Observed: 1 variant allele, 1 heterozygote.

Literature cited by the submitters: PubMed 22944367 (cited by Variantyx, Inc.).